The following is an entry in ClinVar:

ClinVar aggregate classification (germline): Uncertain significance. Review status: reviewed by expert panel (3 of 4 stars). 15 submissions from 15 submitters: Uncertain significance (1). 14 of the submissions do not count toward it. Last evaluated 2023-10-01.

Conditions:
Glycogen storage disease, type II (IOPD). Also called: CARDIOMEGALIA GLYCOGENICA DIFFUSA; GLYCOGENOSIS, GENERALIZED, CARDIAC FORM; GSD II; Glycogen storage disease type 2; Acid maltase deficiency disease; Aglucosidase alfa. Identifiers: Orphanet 365, MedGen C0017921, MONDO:0009290, OMIM 232300.

Allele frequency attached by ClinVar (database versions not stated): gnomAD 0.00007 and 0.00006; ESP Exome Variant Server 0.00015; gnomAD exomes 0.00004; ExAC 0.00007; TOPMed 0.00008.
gnomAD v4.1: 127 of 1,613,990 alleles (0.0079%); highest among the groups gnomAD compares: Non-Finnish European, 0.01%; no homozygotes.

Submissions (15):

ClinGen Lysosomal Storage Disorder Variant Curation Expert Panel
Classification: Uncertain significance for Glycogen storage disease, type II. Last evaluated: 2023-10-01. Review status: reviewed by expert panel. Criteria: clingen_lsd_acmg_specifications_v2-1. Collection method: curation. Allele origin: germline.
Comment: The NM_000152.5:c.1504A>G variant in GAA is a missense variant predicted to cause substitution of methionine by valine at amino acid 502 (p.Met502Val). The highest population minor allele frequency in gnomAD v2.1.1 is 0.00010 (13/128968 alleles) in the European (Non-Finnish) population, which is lower than the ClinGen Lysosomal Diseases VCEP’s threshold for PM2_Supporting (<0.00025), meeting this criterion (PM2_Supporting). The computational predictor REVEL gives a score of 0.805 which is above the threshold of 0.7, evidence that correlates with impact to GAA function (PP3). At least 3 individuals with this variant had documented GAA deficiency activity in the affected range in muscle, cultured skin fibroblasts, leukocytes, lymphocytes, whole blood or dried blood spot or were noted to have deficient GAA activity but results were not provided. However no symptoms of Pompe disease have been reported for these patients and therefore PM3 and PP4 will not be applied. There is a ClinVar entry for this variant (Variation ID: 439746, 2 star review status) with 12 submitters classifying the variant as a variant of uncertain significance. In summary, this variant meets the criteria to be classified as a variant of uncertain significance for Pompe disease based on the ACMG/AMP criteria applied, as specified by the ClinGen Lysosomal Diseases Variant Curation Expert panel (specifications Version 2.0): PM2_Supporting, PP3. (Classification approved by the ClinGen Lysosomal Diseases Variant Curation Expert Panel on October 1, 2023).

Genomenon, Inc
Classification: Uncertain significance for Glycogen storage disease, type II. Last evaluated: 2026-07-01. Review status: criteria provided, single submitter. Criteria: Genomenon Sequence Variant Interpretation Standards - Updated. Collection method: curation. Allele origin: germline. Not counted in ClinVar's aggregate classification.
Comment: GAA p.Met502Val (c.1504A>G) is a missense variant that changes the amino acid at codon 502 from Methionine to Valine. This variant has been reported in the compound heterozygous and/or homozygous state in an individual without a confirmed diagnosis of Pompe disease (PMID:24158270). It is absent or not present at a significant frequency in gnomAD. In silico models predict that this variant is possibly or probably damaging. In conclusion, we classify GAA p.Met502Val (c.1504A>G) as a variant of uncertain significance.

Labcorp Genetics (formerly Invitae), Labcorp
Classification: Uncertain significance for Glycogen storage disease, type II. Last evaluated: 2026-01-28. Review status: criteria provided, single submitter. Criteria: Invitae Variant Classification Sherloc (09022015). Collection method: clinical testing. Allele origin: germline. Not counted in ClinVar's aggregate classification.
Comment: This sequence change replaces methionine, which is neutral and non-polar, with valine, which is neutral and non-polar, at codon 502 of the GAA protein (p.Met502Val). This variant is present in population databases (rs376067362, gnomAD 0.01%). This missense change has been observed in individual(s) with glycogen storage disease type II (PMID: 24158270, 33202836; internal data). In at least one individual the data is consistent with being in trans (on the opposite chromosome) from a pathogenic variant. ClinVar contains an entry for this variant (Variation ID: 439746). Invitae Evidence Modeling of protein sequence and biophysical properties (such as structural, functional, and spatial information, amino acid conservation, physicochemical variation, residue mobility, and thermodynamic stability) has been performed for this missense variant. However, the output from this modeling did not meet the statistical confidence thresholds required to predict the impact of this variant on GAA protein function. In summary, the available evidence is currently insufficient to determine the role of this variant in disease. Therefore, it has been classified as a Variant of Uncertain Significance.

Women's Health and Genetics/Laboratory Corporation of America, LabCorp
Classification: Uncertain significance. Last evaluated: 2025-10-27. Review status: criteria provided, single submitter. Criteria: LabCorp Variant Classification Summary - May 2015. Collection method: clinical testing. Allele origin: germline. Not counted in ClinVar's aggregate classification.
Comment: Variant summary: GAA c.1504A>G (p.Met502Val) results in a conservative amino acid change located in the Glycoside hydrolase family 31, TIM barrel domain (IPR000322) of the encoded protein sequence. Algorithms developed to predict the effect of missense changes on protein structure and function are either unavailable or do not agree on the potential impact of this missense change. The variant allele was found at a frequency of 4.4e-05 in 251226 control chromosomes. This frequency is not significantly higher than estimated for disease-causing variants in GAA, allowing no conclusion about variant significance. c.1504A>G has been reported in the literature in at least 2 individuals affected with or positive on a newborn screen for Glycogen Storage Disease, Type 2 (Pompe Disease) (example, Remiche_2014, Ficicioglu_2020). However, 2 unaffected individuals have been reported carrying this variant in trans with a pathogenic variant or pathogenic allele (c.-32-13T>G per Pompe disease variant database; [c.-32-13T>G;c.1856G>A] per ClinGen Lysosomal Storage Disorder Variant Curation Expert Panel). These data do not allow any conclusion about variant significance. At least one publication reports experimental evidence evaluating an impact on protein function. The most pronounced variant effect in patient cells results in 10%-<30% of normal activity (example, Remiche_2014). The following publications have been ascertained in the context of this evaluation (PMID: 33202836, 24158270). ClinVar contains an entry for this variant (Variation ID: 439746). Based on the evidence outlined above, the variant was classified as VUS-possibly pathogenic.

Mayo Clinic Laboratories, Mayo Clinic
Classification: Uncertain significance. Last evaluated: 2025-09-23. Review status: criteria provided, single submitter. Criteria: ACMG Guidelines, 2015. Collection method: clinical testing. Allele origin: germline. Observed: 3 variant alleles. Not counted in ClinVar's aggregate classification.
Comment: PP3_moderate, PM2_supporting, PM3

GeneDx
Classification: Uncertain significance. Last evaluated: 2025-02-28. Review status: criteria provided, single submitter. Criteria: GeneDx Variant Classification Process June 2021. Collection method: clinical testing. Allele origin: germline. Affected: yes. Not counted in ClinVar's aggregate classification.
Comment: Observed with a second variant in GAA in a patient with late-onset Pompe disease; the phase of these variants was not determined (PMID: 24158270); Observed with additional variants in GAA in a patient with low GAA activity on newborn screening (PMID: 33202836); In silico analysis indicates that this missense variant does not alter protein structure/function; Not observed at significant frequency in large population cohorts (gnomAD); This variant is associated with the following publications: (PMID: 34426522, 22253258, 19343043, 30985853, 24158270, 33202836)

Baylor Genetics
Classification: Uncertain significance for Glycogen storage disease, type II. Last evaluated: 2024-09-21. Review status: criteria provided, single submitter. Criteria: ACMG Guidelines, 2015. Collection method: clinical testing. Allele origin: unknown. Not counted in ClinVar's aggregate classification.
Comment: The c.1504A>G (p.M502V) variant in the GAA gene has been reported in conjunction with another variant in an unaffected individual (PMID: 24158270) and in a newborn screen (PMID: 33202836). There is insufficient evidence at this time to determine the significance of this variant.

Revvity Omics, Revvity
Classification: Uncertain significance. Last evaluated: 2024-08-29. Review status: criteria provided, single submitter. Criteria: ACMG Guidelines, 2015. Collection method: clinical testing. Allele origin: germline. Not counted in ClinVar's aggregate classification.

MGZ Medical Genetics Center
Classification: Uncertain significance for Glycogen storage disease, type II. Last evaluated: 2022-08-01. Review status: criteria provided, single submitter. Criteria: ACMG Guidelines, 2015. Collection method: clinical testing. Allele origin: germline. Affected: yes. Observed: 1 variant allele. Not counted in ClinVar's aggregate classification.
Comment: ACMG criteria applied: PM3, PM2_SUP, PP3

Fulgent Genetics
Classification: Uncertain significance for Glycogen storage disease, type II. Last evaluated: 2022-02-01. Review status: criteria provided, single submitter. Criteria: ACMG Guidelines, 2015. Collection method: clinical testing. Allele origin: unknown. Not counted in ClinVar's aggregate classification.

Genome-Nilou Lab
Classification: Uncertain significance for Glycogen storage disease, type II. Last evaluated: 2021-09-05. Review status: criteria provided, single submitter. Criteria: ACMG Guidelines, 2015. Collection method: clinical testing. Allele origin: germline. Affected: no. Not counted in ClinVar's aggregate classification.

Broad Center for Mendelian Genomics, Broad Institute of MIT and Harvard
Classification: Uncertain significance for Glycogen storage disease, type II. Last evaluated: 2020-01-22. Review status: criteria provided, single submitter. Criteria: ACMG Guidelines, 2015. Collection method: curation. Allele origin: germline. Inheritance: Autosomal recessive inheritance. Not counted in ClinVar's aggregate classification.
Comment: This variant has been identified in 0.010% (13/128968) of European (non-Finnish) chromosomes and 0.003% (1/35432) of Latino chromosomes by the Genome Aggregation Database (gnomAD; dbSNP rs376067362). Although this variant has been seen in the general population, its frequency is low enough to be consistent with a recessive carrier frequency. This variant has also been reported as a VUS by Invitae, EGL Genetic Diagnostics, Illumina, and ARUP Laboratories in ClinVar (Variation ID: 439746). Computational prediction tools and conservation analyses suggest that this variant may impact the protein, though this information is not predictive enough to determine pathogenicity. The Methionine (Met) at position 502 is not highly conserved in mammals and evolutionary distant species, and one species (American alligator) carries a Valine (Val), raising the possibility that this change at this position may be tolerated. This variant was reported in combination with a reported pathogenic variant and in an individual with Glycogen Storage Disease II (PMID: 24158270). In summary, the clinical significance of the p.Met502Val variant is uncertain. ACMG/AMP Criteria applied: PM2, PP3 (Richards 2015).

Eurofins Ntd Llc (ga)
Classification: Uncertain significance. Last evaluated: 2016-12-07. Review status: criteria provided, single submitter. Criteria: EGL Classification Definitions 2015. Collection method: clinical testing. Allele origin: germline. Observed: 1 variant allele, 1 heterozygote. Not counted in ClinVar's aggregate classification.

ARUP Laboratories, Molecular Genetics and Genomics, ARUP Laboratories
Classification: Uncertain significance. Last evaluated: 2016-10-12. Review status: criteria provided, single submitter. Criteria: ARUP Molecular Germline Variant Investigation Process. Collection method: clinical testing. Allele origin: germline. Not counted in ClinVar's aggregate classification.

Natera, Inc.
Classification: Uncertain significance for Glycogen storage disease type II. Last evaluated: 2020-09-16. Review status: no assertion criteria provided. Collection method: clinical testing. Allele origin: germline. Not counted in ClinVar's aggregate classification.

Literature cited by the submitters: PubMed 24158270 (cited by 5 submitters); PubMed 33202836 (cited by 3 submitters); PubMed 30281819 (cited by Mayo Clinic Laboratories, Mayo Clinic); PubMed 30985853 (cited by Mayo Clinic Laboratories, Mayo Clinic); PubMed 34426522 (cited by Mayo Clinic Laboratories, Mayo Clinic).

NM_000152.5(GAA):c.1504A>G (p.Met502Val)

Gene: GAA (alpha glucosidase; plus strand). Cytogenetic location: 17q25.3.
Variant type: single nucleotide variant.
Coding change: c.1504A>G on transcript NM_000152.5 (MANE Select); coding-DNA position 1504, A replaced by G.
Protein change: p.Met502Val; replaces methionine 502 with valine.
Molecular consequence: missense variant.
Genome position (GRCh38, 1-based): chr17:80,110,793, A>G. VCF-style: chr17-80110793-A-G. GRCh37 (hg19) VCF-style: chr17-78084592-A-G.
Other names: NM_000152.5(GAA):c.1504A>G; c.1504A>G, p.Met502Val (NM_001079803.3, NM_001079804.3); c.1504A>G (LRG_673t1); short protein forms M502V.
Identifiers: ClinVar variation 439746 (VCV000439746.40), dbSNP rs376067362, ClinGen allele CA8815358.
Genomic context (GRCh38, chr17:80,110,793, plus strand): 5'-CCCGGGTCCACTGCCTTCCCCGACTTCACCAACCCCACAGCCCTGGCCTGGTGGGAGGAC[A>G]TGGTGGCTGAGTTCCATGACCAGGTGCCCTTCGACGGCATGTGGATTGTAAGTGTGGCCC-3'
Protein context (NP_000143.2, residues 492-512): NPTALAWWED[Met502Val]VAEFHDQVPF